The following is an entry in ClinVar:

ClinVar aggregate classification (germline): Uncertain significance (1 of 4 stars; one submission).

Conditions:
Neuropathy, hereditary sensory and autonomic, type 1C. Also called: HSAN IC; HSN IC. Identifiers: Orphanet 36386, MedGen C3150896, MONDO:0013337, OMIM 613640.

Allele frequency attached by ClinVar (database versions not stated): gnomAD exomes below 0.00001 and 0.00001; ExAC 0.00001.

Submission:

Labcorp Genetics (formerly Invitae), Labcorp
Classification: Uncertain significance for Neuropathy, hereditary sensory and autonomic, type 1C. Last evaluated: 2018-04-17. Review status: criteria provided, single submitter. Criteria: Invitae Variant Classification Sherloc (09022015). Collection method: clinical testing. Allele origin: germline.
Comment: In summary, the available evidence is currently insufficient to determine the role of this variant in disease. Therefore, it has been classified as a Variant of Uncertain Significance. Algorithms developed to predict the effect of missense changes on protein structure and function do not agree on the potential impact of this missense change (SIFT: "Tolerated"; PolyPhen-2: "Possibly Damaging"; Align-GVGD: "Class C0"). This variant has not been reported in the literature in individuals with SPTLC2-related disease. The frequency data for this variant in the population databases is considered unreliable, as metrics indicate poor data quality at this position in the ExAC database. This sequence change replaces arginine with glutamine at codon 88 of the SPTLC2 protein (p.Arg88Gln). The arginine residue is moderately conserved and there is a small physicochemical difference between arginine and glutamine.

NM_004863.4(SPTLC2):c.263G>A (p.Arg88Gln)

Gene: SPTLC2 (serine palmitoyltransferase long chain base subunit 2; minus strand). Cytogenetic location: 14q24.3.
Variant type: single nucleotide variant.
Coding change: c.263G>A on transcript NM_004863.4 (MANE Select); coding-DNA position 263, G replaced by A.
Protein change: p.Arg88Gln; replaces arginine 88 with glutamine.
Molecular consequence: missense variant.
Genome position (GRCh38, 1-based): chr14:77,597,250, C>T on the plus strand (G>A on the coding strand, the complement: SPTLC2 is on the minus strand). VCF-style: chr14-77597250-C-T. GRCh37 (hg19) VCF-style: chr14-78063593-C-T.
Other names: short protein forms R88Q.
Identifiers: ClinVar variation 575850 (VCV000575850.8), dbSNP rs748168089, ClinGen allele CA7289482.